The following is an entry in ClinVar:

NM_133642.5(LARGE1):c.941A>T (p.Gln314Leu)

Gene: LARGE1 (LARGE xylosyl- and glucuronyltransferase 1; minus strand). Cytogenetic location: 22q12.3.
Variant type: single nucleotide variant.
Coding change: c.941A>T on transcript NM_133642.5 (MANE Select); coding-DNA position 941, A replaced by T.
Protein change: p.Gln314Leu; replaces glutamine 314 with leucine.
Molecular consequence: missense variant.
Genome position (GRCh38, 1-based): chr22:33,384,256, T>A on the plus strand (A>T on the coding strand, the complement: LARGE1 is on the minus strand). VCF-style: chr22-33384256-T-A. GRCh37 (hg19) VCF-style: chr22-33780242-T-A.
Other names: c.941A>T, p.Gln314Leu (NM_001362949.2, NM_001362951.2, NM_001362953.2 and 7 more transcripts); c.338A>T, p.Gln113Leu (NM_001378630.1, NM_001378631.1); c.941A>T (NM_004737.6); short protein forms Q314L, Q113L.
Identifiers: ClinVar variation 586123 (VCV000586123.14), dbSNP rs149747266, ClinGen allele CA10202901.

ClinVar aggregate classification (germline): Uncertain significance. Review status: criteria provided, multiple submitters, no conflicts (2 of 4 stars). 4 submissions from 4 submitters: Uncertain significance (4). Last evaluated 2022-10-11.

Conditions:
Muscular dystrophy-dystroglycanopathy type B6 (MDDGB6). Also called: MUSCULAR DYSTROPHY-DYSTROGLYCANOPATHY (CONGENITAL WITH IMPAIRED INTELLECTUAL DEVELOPMENT), TYPE B, 6; MUSCULAR DYSTROPHY, CONGENITAL, LARGE-RELATED; MUSCULAR DYSTROPHY, CONGENITAL, TYPE 1D. Identifiers: MedGen C1837229, MONDO:0012138, OMIM 608840.
Muscular dystrophy-dystroglycanopathy (congenital with brain and eye anomalies), type A6. Also called: WALKER-WARBURG SYNDROME OR MUSCLE-EYE-BRAIN DISEASE, LARGE-RELATED; MUSCULAR DYSTROPHY-DYSTROGLYCANOPATHY (CONGENITAL WITH BRAIN AND EYE ANOMALIES), TYPE A, 6. Identifiers: Orphanet 588, Orphanet 899, MedGen C3150414, MONDO:0013158, OMIM 613154.

Allele frequency attached by ClinVar (database versions not stated): gnomAD exomes 0.00003 and 0.00004; ExAC 0.00004; TOPMed 0.00004; gnomAD 0.00005 and 0.00006; ESP Exome Variant Server 0.00015.
gnomAD v4.1: 53 of 1,614,052 alleles (0.0033%); highest among the groups gnomAD compares: Non-Finnish European, 0.0042%; no homozygotes.

Submissions (4):

Revvity Omics, Revvity
Classification: Uncertain significance. Last evaluated: 2022-10-11. Review status: criteria provided, single submitter. Criteria: ACMG Guidelines, 2015. Collection method: clinical testing. Allele origin: germline.

Labcorp Genetics (formerly Invitae), Labcorp
Classification: Uncertain significance for Muscular dystrophy-dystroglycanopathy type B6. Last evaluated: 2022-08-10. Review status: criteria provided, single submitter. Criteria: Invitae Variant Classification Sherloc (09022015). Collection method: clinical testing. Allele origin: germline.
Comment: This sequence change replaces glutamine, which is neutral and polar, with leucine, which is neutral and non-polar, at codon 314 of the LARGE1 protein (p.Gln314Leu). This variant is present in population databases (rs149747266, gnomAD 0.007%). This variant has not been reported in the literature in individuals affected with LARGE1-related conditions. ClinVar contains an entry for this variant (Variation ID: 586123). Algorithms developed to predict the effect of missense changes on protein structure and function are either unavailable or do not agree on the potential impact of this missense change (SIFT: "Deleterious"; PolyPhen-2: "Benign"; Align-GVGD: "Class C0"). In summary, the available evidence is currently insufficient to determine the role of this variant in disease. Therefore, it has been classified as a Variant of Uncertain Significance.

Baylor Genetics
Classification: Uncertain significance for Muscular dystrophy-dystroglycanopathy (congenital with brain and eye anomalies), type A6. Last evaluated: 2020-06-05. Review status: criteria provided, single submitter. Criteria: ACMG Guidelines, 2015. Collection method: clinical testing. Allele origin: unknown. Affected: yes.
Comment: This variant was determined to be of uncertain significance according to ACMG Guidelines, 2015 [PMID:25741868].

Athena Diagnostics
Classification: Uncertain significance. Last evaluated: 2017-08-30. Review status: criteria provided, single submitter. Criteria: Athena Diagnostics Criteria. Collection method: clinical testing. Allele origin: germline.